The following is an entry in ClinVar:

ClinVar aggregate classification (germline): Pathogenic/Likely pathogenic. Review status: criteria provided, multiple submitters, no conflicts (2 of 4 stars). 2 submissions from 2 submitters: Pathogenic (1); Likely pathogenic (1). Last evaluated 2025-09-03.

Conditions:
Pontocerebellar hypoplasia type 6 (PCH6). Identifiers: Orphanet 166073, MedGen C1969084, MONDO:0012683, OMIM 611523.

Submissions (2):

Natera, Inc.
Classification: Likely pathogenic for Pontocerebellar hypoplasia, type 6. Last evaluated: 2025-09-03. Review status: criteria provided, single submitter. Criteria: Natera Variant Classification Schema (03/2026). Collection method: clinical testing. Allele origin: germline.
Comment: The c.459delT variant in RARS2 is a frameshift variant predicted to shift the reading frame beginning at codon 153 and leads to a stop codon 2 codons downstream. This variant is expected to result in nonsense mediated decay, truncation, or a dysfunctional protein product. This variant is rare in the general population with a frequency below the threshold expected for the associated phenotype(s). Given the available evidence, this variant is classified as Likely Pathogenic.

Labcorp Genetics (formerly Invitae), Labcorp
Classification: Pathogenic. Last evaluated: 2024-02-25. Review status: criteria provided, single submitter. Criteria: Invitae Variant Classification Sherloc (09022015). Collection method: clinical testing. Allele origin: germline.
Comment: This sequence change creates a premature translational stop signal (p.Phe153Leufs*2) in the RARS2 gene. It is expected to result in an absent or disrupted protein product. Loss-of-function variants in RARS2 are known to be pathogenic (PMID: 17847012, 22569581, 26083569). This variant is not present in population databases (gnomAD no frequency). This variant has not been reported in the literature in individuals affected with RARS2-related conditions. For these reasons, this variant has been classified as Pathogenic.

Literature cited by the submitters: PubMed 17847012 (cited by Labcorp Genetics (formerly Invitae), Labcorp); PubMed 22569581 (cited by Labcorp Genetics (formerly Invitae), Labcorp); PubMed 26083569 (cited by Labcorp Genetics (formerly Invitae), Labcorp).

NM_020320.5(RARS2):c.459del (p.Phe153fs)

Gene: RARS2 (arginyl-tRNA synthetase 2, mitochondrial; minus strand). Cytogenetic location: 6q15.
Variant type: Deletion.
Coding change: c.459del on transcript NM_020320.5 (MANE Select); coding-DNA position 459, one base deleted (T; older notation c.459delT).
Protein change: p.Phe153fs; shifts the reading frame from phenylalanine 153.
Molecular consequence: frameshift variant. On other transcripts: 5 prime UTR variant (7), non-coding transcript variant (15).
Genome position (GRCh38, 1-based): chr6:87,545,692, A deleted on the plus strand (T on the coding strand, the reverse complement: RARS2 is on the minus strand); the first of 4 consecutive A bases (chr6:87,545,692-87,545,695); deleting any one gives the same sequence. VCF-style (leftmost placement, unchanged base first): chr6-87545691-TA-T. GRCh37 (hg19) VCF-style: chr6-88255409-TA-T.
Other names: c.459delT (NM_020320.4); c.-67del (NM_001318785.2, NM_001350506.2, NM_001350507.2 and 4 more transcripts); c.459del, p.Phe153fs (NM_001350505.2); short protein forms F153fs.
Identifiers: ClinVar variation 2851521 (VCV002851521.4), dbSNP rs2484190981, ClinGen allele CA2739273340.